The following is an entry in ClinVar:

ClinVar aggregate classification (germline): Uncertain significance (1 of 4 stars; one submission).

Allele frequency attached by ClinVar (database versions not stated): gnomAD exomes below 0.00001; TOPMed below 0.00001; ExAC 0.00001; gnomAD 0.00001.
gnomAD v4.1: 7 of 1,610,848 alleles (0.00043%); highest among the groups gnomAD compares: South Asian, 0.0011%; no homozygotes.

Submission:

Labcorp Genetics (formerly Invitae), Labcorp
Classification: Uncertain significance. Last evaluated: 2024-01-29. Review status: criteria provided, single submitter. Criteria: Invitae Variant Classification Sherloc (09022015). Collection method: clinical testing. Allele origin: germline.
Comment: This sequence change replaces arginine, which is basic and polar, with cysteine, which is neutral and slightly polar, at codon 1510 of the SCN3A protein (p.Arg1510Cys). This variant is present in population databases (rs758596091, gnomAD 0.002%). This variant has not been reported in the literature in individuals affected with SCN3A-related conditions. Advanced modeling of protein sequence and biophysical properties (such as structural, functional, and spatial information, amino acid conservation, physicochemical variation, residue mobility, and thermodynamic stability) performed at Invitae indicates that this missense variant is expected to disrupt SCN3A protein function with a positive predictive value of 95%. In summary, the available evidence is currently insufficient to determine the role of this variant in disease. Therefore, it has been classified as a Variant of Uncertain Significance.

NM_006922.4(SCN3A):c.4528C>T (p.Arg1510Cys)

Gene: SCN3A (sodium voltage-gated channel alpha subunit 3; minus strand). Cytogenetic location: 2q24.3.
Variant type: single nucleotide variant.
Coding change: c.4528C>T on transcript NM_006922.4 (MANE Select); coding-DNA position 4528, C replaced by T.
Protein change: p.Arg1510Cys; replaces arginine 1510 with cysteine.
Molecular consequence: missense variant.
Genome position (GRCh38, 1-based): chr2:165,094,382, G>A on the plus strand (C>T on the coding strand, the complement: SCN3A is on the minus strand). VCF-style: chr2-165094382-G-A. GRCh37 (hg19) VCF-style: chr2-165950892-G-A.
Other names: c.4381C>T, p.Arg1461Cys (NM_001081676.2, NM_001081677.2); short protein forms R1510C, R1461C.
Identifiers: ClinVar variation 2876639 (VCV002876639.3), dbSNP rs758596091, ClinGen allele CA1938555.